The following is an entry in ClinVar:

ClinVar aggregate classification (germline): Benign (1 of 4 stars; one submission).

Conditions:
Lynch syndrome 5 (LYNCH5). Also called: Colorectal cancer, hereditary nonpolyposis, type 5; Hereditary non-polyposis colorectal cancer, type 5. Identifiers: Orphanet 144, MedGen C1833477, MONDO:0013710, OMIM 614350. Disease mechanism: loss of function.

Submission:

Myriad Genetics, Inc.
Classification: Benign for Lynch syndrome 5. Last evaluated: 2024-12-27. Review status: criteria provided, single submitter. Criteria: Myriad Autosomal Dominant, Autosomal Recessive and X-Linked Classification Criteria (2023). Collection method: clinical testing. Allele origin: unknown.
Comment: This variant is considered benign. This variant is a silent/synonymous amino acid change and it is not expected to impact splicing.

NM_000179.3(MSH6):c.1791A>G (p.Glu597=)

Gene: MSH6 (mutS homolog 6; plus strand). Cytogenetic location: 2p16.3.
Variant type: single nucleotide variant.
Coding change: c.1791A>G on transcript NM_000179.3 (MANE Select); coding-DNA position 1791, A replaced by G.
Protein change: p.Glu597=; no amino-acid change (glutamic acid 597 retained).
Molecular consequence: synonymous variant. On other transcripts: non-coding transcript variant (4), intron variant (2).
Genome position (GRCh38, 1-based): chr2:47,799,774, A>G. VCF-style: chr2-47799774-A-G. GRCh37 (hg19) VCF-style: chr2-48026913-A-G.
Other names: c.1401A>G, p.Glu467= (NM_001281492.2); c.885A>G, p.Glu295= (NM_001281493.2, NM_001281494.2, NM_001406811.1 and 6 more transcripts); c.1887A>G, p.Glu629= (NM_001406795.1, NM_001406802.1); c.1791A>G, p.Glu597= (NM_001406796.1, NM_001406798.1, NM_001406800.1 and 3 more transcripts); c.1494A>G, p.Glu498= (NM_001406797.1, NM_001406801.1, NM_001406805.1 and 10 more transcripts); c.1266A>G, p.Glu422= (NM_001406799.1, NM_001406806.1, NM_001406807.1); c.1713A>G, p.Glu571= (NM_001406804.1); c.1797A>G, p.Glu599= (NM_001406813.1); and 3 more.
Identifiers: ClinVar variation 3904678 (VCV003904678.1).